The following is an entry in ClinVar:

NM_001447.3(FAT2):c.4391G>C (p.Gly1464Ala)

Genes: FAT2 (FAT atypical cadherin 2; minus strand), SLC36A1 (solute carrier family 36 member 1; plus strand). Cytogenetic location: 5q33.1.
Variant type: single nucleotide variant.
Coding change: c.4391G>C on transcript NM_001447.3 (MANE Select); coding-DNA position 4391, G replaced by C.
Protein change: p.Gly1464Ala; replaces glycine 1464 with alanine.
Molecular consequence: missense variant.
Genome position (GRCh38, 1-based): chr5:151,550,777, C>G on the plus strand (G>C on the coding strand, the complement: FAT2 is on the minus strand). VCF-style: chr5-151550777-C-G. GRCh37 (hg19) VCF-style: chr5-150930338-C-G.
Other names: short protein forms G1464A.
Identifiers: ClinVar variation 3390188 (VCV003390188.14).

ClinVar aggregate classification (germline): Uncertain significance (1 of 4 stars; one submission).

Submission:

CeGaT Center for Human Genetics Tuebingen
Classification: Uncertain significance. Last evaluated: 2024-11-01. Review status: criteria provided, single submitter. Criteria: CeGaT Center For Human Genetics Tuebingen Variant Classification Criteria Version 2. Collection method: clinical testing. Allele origin: germline. Affected: yes. Observed: 1 variant allele.
Comment: FAT2: PM2